The following is an entry in ClinVar:

Conditions:
Long QT syndrome 5 (LQT5). Identifiers: Orphanet 101016, Orphanet 768, MedGen C1867904, MONDO:0013372, OMIM 613695.

Submission:

Roden Lab, Vanderbilt University Medical Center
No classification provided (evidence only). Condition: Long QT syndrome 5. Review status: no classification provided. Collection method: in vitro. Allele origin: not applicable. Functional consequence: Effect on ion channel function.
ClinVar note: "not provided" was previously submitted as the classification for the variant. However, the classification appeared to be based only on an observation of functional data so it was converted to no classification on 2025-07-30.

NM_000219.6(KCNE1):c.212T>C (p.Leu71Pro)

Gene: KCNE1 (potassium voltage-gated channel subfamily E regulatory subunit 1; minus strand). Cytogenetic location: 21q22.12.
Variant type: single nucleotide variant.
Coding change: c.212T>C on transcript NM_000219.6 (MANE Select); coding-DNA position 212, T replaced by C.
Protein change: p.Leu71Pro; replaces leucine 71 with proline.
Molecular consequence: missense variant.
Genome position (GRCh38, 1-based): chr21:34,449,423, A>G on the plus strand (T>C on the coding strand, the complement: KCNE1 is on the minus strand). VCF-style: chr21-34449423-A-G. GRCh37 (hg19) VCF-style: chr21-35821721-A-G.
Other names: c.212T>C, p.Leu71Pro (NM_001127668.4, NM_001127669.4, NM_001127670.4 and 4 more transcripts); short protein forms L71P.
Identifiers: ClinVar variation 3374341 (VCV003374341.2).
Genomic context (GRCh38, chr21:34,449,423, plus strand): 5'-TCCTTCTCTTGCCAGGCATCGGACTCGATGTAGACGTTGAATGGGTCGTTCGAGTGCTCC[A>G]GCTTCTTGGAGCGGATGTAGCTCAGCATGATGCCCAGGGTGAAGAAGCCGAAGAATCCCA-3'
Protein context (NP_000210.2, residues 61-81): IMLSYIRSKK[Leu71Pro]EHSNDPFNVY